The following is an entry in ClinVar:

ClinVar aggregate classification (germline): Uncertain significance (1 of 4 stars; one submission).

Conditions:
Cranioectodermal dysplasia 1 (CED1). Also called: LEVIN SYNDROME I. Identifiers: Orphanet 1515, MedGen C0432235, MONDO:0021093, OMIM 218330.

Submission:

Labcorp Genetics (formerly Invitae), Labcorp
Classification: Uncertain significance for Cranioectodermal dysplasia 1. Last evaluated: 2023-02-23. Review status: criteria provided, single submitter. Criteria: Invitae Variant Classification Sherloc (09022015). Collection method: clinical testing. Allele origin: germline.
Comment: In summary, the available evidence is currently insufficient to determine the role of this variant in disease. Therefore, it has been classified as a Variant of Uncertain Significance. Advanced modeling of protein sequence and biophysical properties (such as structural, functional, and spatial information, amino acid conservation, physicochemical variation, residue mobility, and thermodynamic stability) performed at Invitae indicates that this missense variant is expected to disrupt IFT122 protein function. ClinVar contains an entry for this variant (Variation ID: 1413376). This variant has not been reported in the literature in individuals affected with IFT122-related conditions. This variant is not present in population databases (gnomAD no frequency). This sequence change replaces cysteine, which is neutral and slightly polar, with tryptophan, which is neutral and slightly polar, at codon 335 of the IFT122 protein (p.Cys335Trp).

NM_052989.3(IFT122):c.852C>G (p.Cys284Trp)

Gene: IFT122 (intraflagellar transport 122; plus strand). Cytogenetic location: 3q21.3.
Variant type: single nucleotide variant.
Coding change: c.852C>G on transcript NM_052989.3 (MANE Select); coding-DNA position 852, C replaced by G.
Protein change: p.Cys284Trp; replaces cysteine 284 with tryptophan.
Molecular consequence: missense variant.
Genome position (GRCh38, 1-based): chr3:129,476,350, C>G. VCF-style: chr3-129476350-C-G. GRCh37 (hg19) VCF-style: chr3-129195193-C-G.
Other names: c.828C>G, p.Cys276Trp (NM_001280541.2); c.402C>G, p.Cys134Trp (NM_001280545.2); c.225C>G, p.Cys75Trp (NM_001280546.2); c.675C>G, p.Cys225Trp (NM_018262.4); c.1005C>G, p.Cys335Trp (NM_052985.4); c.519C>G, p.Cys173Trp (NM_052990.3); short protein forms C75W, C173W, C284W, C134W, C225W, C335W, C276W.
Identifiers: ClinVar variation 1413376 (VCV001413376.6), dbSNP rs1268071941, ClinGen allele CA354472431.